The following is an entry in ClinVar:

ClinVar aggregate classification (germline): Uncertain significance (1 of 4 stars; one submission).

Conditions:
Idiopathic generalized epilepsy. Also called: EIG; Generalised epilepsy. Identifiers: MedGen C0270850, MONDO:0005579, OMIM 600669.
Hyperaldosteronism, familial, type IV (HALD4). Also called: FH IV; ALDOSTERONISM, PRIMARY, AND HYPERTENSION. Identifiers: Orphanet 642671, MedGen C4310756, MONDO:0014875, OMIM 617027.

Submission:

Labcorp Genetics (formerly Invitae), Labcorp
Classification: Uncertain significance for Idiopathic generalized epilepsy; Hyperaldosteronism, familial, type IV. Last evaluated: 2025-12-13. Review status: criteria provided, single submitter. Criteria: Invitae Variant Classification Sherloc (09022015). Collection method: clinical testing. Allele origin: germline.
Comment: This sequence change replaces asparagine, which is neutral and polar, with aspartic acid, which is acidic and polar, at codon 982 of the CACNA1H protein (p.Asn982Asp). This variant is not present in population databases (gnomAD no frequency). This variant has not been reported in the literature in individuals affected with CACNA1H-related conditions. Invitae Evidence Modeling of protein sequence and biophysical properties (such as structural, functional, and spatial information, amino acid conservation, physicochemical variation, residue mobility, and thermodynamic stability) indicates that this missense variant is expected to disrupt CACNA1H protein function with a positive predictive value of 80%. In summary, the available evidence is currently insufficient to determine the role of this variant in disease. Therefore, it has been classified as a Variant of Uncertain Significance.

NM_021098.3(CACNA1H):c.2944A>G (p.Asn982Asp)

Gene: CACNA1H (calcium voltage-gated channel subunit alpha1 H; plus strand). Cytogenetic location: 16p13.3.
Variant type: single nucleotide variant.
Coding change: c.2944A>G on transcript NM_021098.3 (MANE Select); coding-DNA position 2944, A replaced by G.
Protein change: p.Asn982Asp; replaces asparagine 982 with aspartic acid.
Molecular consequence: missense variant.
Genome position (GRCh38, 1-based): chr16:1,207,311, A>G. VCF-style: chr16-1207311-A-G. GRCh37 (hg19) VCF-style: chr16-1257311-A-G.
Other names: c.2944A>G, p.Asn982Asp (NM_001005407.2); short protein forms N982D.
Identifiers: ClinVar variation 4782378 (VCV004782378.1).